The following is an entry in ClinVar:

NM_018670.4(MESP1):c.575T>C (p.Val192Ala)

Genes: MESP1 (mesoderm posterior bHLH transcription factor 1; minus strand), LOC130057888 (ATAC-STARR-seq lymphoblastoid silent region 6803; plus strand). Cytogenetic location: 15q26.1.
Variant type: single nucleotide variant.
Coding change: c.575T>C on transcript NM_018670.4 (MANE Select); coding-DNA position 575, T replaced by C.
Protein change: p.Val192Ala; replaces valine 192 with alanine.
Molecular consequence: missense variant.
Genome position (GRCh38, 1-based): chr15:89,750,657, A>G on the plus strand (T>C on the coding strand, the complement: MESP1 is on the minus strand). VCF-style: chr15-89750657-A-G. GRCh37 (hg19) VCF-style: chr15-90293888-A-G.
Other names: short protein forms V192A.
Identifiers: ClinVar variation 3681046 (VCV003681046.2).

ClinVar aggregate classification (germline): Uncertain significance (1 of 4 stars; one submission).

gnomAD v4.1: 7 of 1,369,874 alleles (0.00051%); highest among the groups gnomAD compares: Non-Finnish European, 0.00047%; no homozygotes.

Submission:

Labcorp Genetics (formerly Invitae), Labcorp
Classification: Uncertain significance. Last evaluated: 2024-11-18. Review status: criteria provided, single submitter. Criteria: Invitae Variant Classification Sherloc (09022015). Collection method: clinical testing. Allele origin: germline.
Comment: This sequence change replaces valine, which is neutral and non-polar, with alanine, which is neutral and non-polar, at codon 192 of the MESP1 protein (p.Val192Ala). This variant is present in population databases (no rsID available, gnomAD 0.007%). This variant has not been reported in the literature in individuals affected with MESP1-related conditions. An algorithm developed to predict the effect of missense changes on protein structure and function (PolyPhen-2) suggests that this variant is likely to be tolerated. In summary, the available evidence is currently insufficient to determine the role of this variant in disease. Therefore, it has been classified as a Variant of Uncertain Significance.